The following is an entry in ClinVar:

ClinVar aggregate classification (germline): Benign (1 of 4 stars; one submission).

Allele frequency attached by ClinVar (database versions not stated): gnomAD exomes 0.25791; TOPMed 0.29651; gnomAD 0.29903 and 0.29970; 1000 Genomes Project 30x 0.35009; 1000 Genomes Project 0.35463.
gnomAD v4.1: 300,276 of 1,138,958 alleles (26%); highest among the groups gnomAD compares: East Asian, 49%; 42,559 homozygotes.

Submission:

GeneDx
Classification: Benign. Last evaluated: 2018-06-14. Review status: criteria provided, single submitter. Criteria: GeneDx Variant Classification (06012015). Collection method: clinical testing. Allele origin: germline. Affected: yes.
Comment: This variant is considered likely benign or benign based on one or more of the following criteria: it is a conservative change, it occurs at a poorly conserved position in the protein, it is predicted to be benign by multiple in silico algorithms, and/or has population frequency not consistent with disease.

NM_198904.4(GABRG2):c.1128+99C>A

Gene: GABRG2 (gamma-aminobutyric acid type A receptor subunit gamma2; plus strand). Cytogenetic location: 5q34.
Variant type: single nucleotide variant.
Coding change: c.1128+99C>A on transcript NM_198904.4 (MANE Select); 99 bases into the intron after coding-DNA position 1128, C replaced by A.
Molecular consequence: intron variant.
Genome position (GRCh38, 1-based): chr5:162,149,412, C>A. VCF-style: chr5-162149412-C-A. GRCh37 (hg19) VCF-style: chr5-161576418-C-A.
Other names: c.1128+99C>A (NM_000816.3); c.843+99C>A (NM_001375349.1); c.1248+99C>A (NM_001375343.1, NM_198903.2); c.1167+99C>A (NM_001375344.1); c.923-2318C>A (NM_001375340.1); c.1125+99C>A (NM_001375341.1, NM_001375342.1); c.708+99C>A (NM_001375350.1, NM_001375348.1); c.1119+99C>A (NM_001375339.1); and 2 more.
Identifiers: ClinVar variation 674989 (VCV000674989.1), dbSNP rs211014, ClinGen allele CA12090201.